The following is an entry in ClinVar:

ClinVar aggregate classification (germline): Uncertain significance (1 of 4 stars; one submission).

Submission:

GeneDx
Classification: Uncertain significance. Last evaluated: 2023-05-11. Review status: criteria provided, single submitter. Criteria: GeneDx Variant Classification Process June 2021. Collection method: clinical testing. Allele origin: germline. Affected: yes.
Comment: Not observed at significant frequency in large population cohorts (gnomAD); In silico analysis supports that this missense variant has a deleterious effect on protein structure/function; Has not been previously published as pathogenic or benign to our knowledge

NM_000834.5(GRIN2B):c.641C>T (p.Ser214Phe)

Gene: GRIN2B (glutamate ionotropic receptor NMDA type subunit 2B; minus strand). Cytogenetic location: 12p13.1.
Variant type: single nucleotide variant.
Coding change: c.641C>T on transcript NM_000834.5 (MANE Select); coding-DNA position 641, C replaced by T.
Protein change: p.Ser214Phe; replaces serine 214 with phenylalanine.
Molecular consequence: missense variant.
Genome position (GRCh38, 1-based): chr12:13,753,686, G>A on the plus strand (C>T on the coding strand, the complement: GRIN2B is on the minus strand). VCF-style: chr12-13753686-G-A. GRCh37 (hg19) VCF-style: chr12-13906620-G-A.
Other names: c.641C>T, p.Ser214Phe (NM_001413992.1, NM_001413993.1, NM_001413994.1 and 1 more transcripts); short protein forms S214F.
Identifiers: ClinVar variation 3343478 (VCV003343478.1).
Genomic context (GRCh38, chr12:13,753,686, plus strand): 5'-TTGGTACAGTAAAGAAGAATGATGGGGCTTTGAAGTTTCTTGAGCTGATTCTGGATCTTA[G>A]AATCTCCATCGTCCAGGGACATGTCCAGTAGGAGGACCTCCTCTAGCTCCCAGCCCACAA-3'
Protein context (NP_000825.2, residues 204-224): LLDMSLDDGD[Ser214Phe]KIQNQLKKLQ